The following is an entry in ClinVar:

NM_014363.6(SACS):c.1913G>A (p.Cys638Tyr)

Gene: SACS (sacsin molecular chaperone; minus strand). Cytogenetic location: 13q12.12.
Variant type: single nucleotide variant.
Coding change: c.1913G>A on transcript NM_014363.6 (MANE Select); coding-DNA position 1913, G replaced by A.
Protein change: p.Cys638Tyr; replaces cysteine 638 with tyrosine.
Molecular consequence: missense variant.
Genome position (GRCh38, 1-based): chr13:23,354,699, C>T on the plus strand (G>A on the coding strand, the complement: SACS is on the minus strand). VCF-style: chr13-23354699-C-T. GRCh37 (hg19) VCF-style: chr13-23928838-C-T.
Other names: p.Cys638Tyr; c.1472G>A, p.Cys491Tyr (NM_001278055.2); short protein forms C491Y, C638Y.
Identifiers: ClinVar variation 696133 (VCV000696133.16), dbSNP rs778572943, ClinGen allele CA6911819.

ClinVar aggregate classification (germline): Conflicting classifications of pathogenicity. Review status: criteria provided, conflicting classifications (1 of 4 stars). 6 submissions from 6 submitters: Uncertain significance (1); Likely benign (4). 1 of the submissions does not count toward it. Last evaluated 2026-02-01.

Conditions:
Spastic paraplegia. Identifiers: MedGen C0037772, HP:0001258.
Charlevoix-Saguenay spastic ataxia (SACS). Also called: SPASTIC ATAXIA 6, AUTOSOMAL RECESSIVE; Spastic ataxia of Charlevoix-Saguenay; AUTOSOMAL RECESSIVE SPASTIC ATAXIA OF CHARLEVOIX-SAGUENAY. Identifiers: Orphanet 98, MedGen C1849140, MONDO:0010041, OMIM 270550.
Inborn genetic diseases. Identifiers: MedGen C0950123, MeSH D030342.

Allele frequency attached by ClinVar (database versions not stated): gnomAD 0.00004; TOPMed 0.00014; gnomAD exomes 0.00018 and 0.00037; ExAC 0.00028.

Submissions (6):

Labcorp Genetics (formerly Invitae), Labcorp
Classification: Likely benign for Spastic paraplegia. Last evaluated: 2026-02-01. Review status: criteria provided, single submitter. Criteria: Invitae Variant Classification Sherloc (09022015). Collection method: clinical testing. Allele origin: germline.

Mayo Clinic Laboratories, Mayo Clinic
Classification: Likely benign. Last evaluated: 2025-05-20. Review status: criteria provided, single submitter. Criteria: ACMG Guidelines, 2015. Collection method: clinical testing. Allele origin: germline. Observed: 1 variant allele.
Comment: BS1, BP4_moderate

Ambry Genetics
Classification: Likely benign for Inborn genetic diseases. Last evaluated: 2024-03-31. Review status: criteria provided, single submitter. Criteria: Ambry Variant Classification Scheme 2023. Collection method: clinical testing. Allele origin: germline.

Genome-Nilou Lab
Classification: Likely benign for Charlevoix-Saguenay spastic ataxia. Last evaluated: 2021-09-05. Review status: criteria provided, single submitter. Criteria: ACMG Guidelines, 2015. Collection method: clinical testing. Allele origin: germline. Affected: no.

Athena Diagnostics
Classification: Uncertain significance. Last evaluated: 2018-09-05. Review status: criteria provided, single submitter. Criteria: Athena Diagnostics Criteria. Collection method: clinical testing. Allele origin: germline.

Natera, Inc.
Classification: Likely benign for Charlevoix-Saguenay type spastic ataxia. Last evaluated: 2020-06-06. Review status: no assertion criteria provided. Collection method: clinical testing. Allele origin: germline. Not counted in ClinVar's aggregate classification.